The following is an entry in ClinVar:

NM_001353345.2(SETD1B):c.1967G>T (p.Cys656Phe)

Gene: SETD1B (SET domain containing 1B, histone lysine methyltransferase; plus strand). Cytogenetic location: 12q24.31.
Variant type: single nucleotide variant.
Coding change: c.1967G>T on transcript NM_001353345.2 (MANE Select); coding-DNA position 1967, G replaced by T.
Protein change: p.Cys656Phe; replaces cysteine 656 with phenylalanine.
Molecular consequence: missense variant.
Genome position (GRCh38, 1-based): chr12:121,814,182, G>T. VCF-style: chr12-121814182-G-T. GRCh37 (hg19) VCF-style: chr12-122252088-G-T.
Other names: short protein forms C656F.
Identifiers: ClinVar variation 3370897 (VCV003370897.1).

ClinVar aggregate classification (germline): Uncertain significance (1 of 4 stars; one submission).

Submission:

GeneDx
Classification: Uncertain significance. Last evaluated: 2024-03-12. Review status: criteria provided, single submitter. Criteria: GeneDx Variant Classification Process June 2021. Collection method: clinical testing. Allele origin: germline. Affected: yes.
Comment: Not observed at significant frequency in large population cohorts (gnomAD); In silico analysis supports that this missense variant has a deleterious effect on protein structure/function; Has not been previously published as pathogenic or benign to our knowledge